The following is an entry in ClinVar:

NM_001267550.2(TTN):c.61586T>C (p.Leu20529Pro)

Genes: TTN (titin; minus strand), TTN-AS1 (TTN antisense RNA 1; plus strand). Cytogenetic location: 2q31.2.
Variant type: single nucleotide variant.
Coding change: c.61586T>C on transcript NM_001267550.2 (MANE Select); coding-DNA position 61586, T replaced by C.
Protein change: p.Leu20529Pro; replaces leucine 20529 with proline.
Molecular consequence: missense variant.
Genome position (GRCh38, 1-based): chr2:178,590,139, A>G on the plus strand (T>C on the coding strand, the complement: TTN is on the minus strand). VCF-style: chr2-178590139-A-G. GRCh37 (hg19) VCF-style: chr2-179454866-A-G.
Other names: c.56663T>C, p.Leu18888Pro (NM_001256850.1); c.34391T>C, p.Leu11464Pro (NM_003319.4); c.53882T>C, p.Leu17961Pro (NM_133378.4); c.34766T>C, p.Leu11589Pro (NM_133432.3); c.34967T>C, p.Leu11656Pro (NM_133437.4); short protein forms L18888P, L11464P, L11589P, L11656P, L17961P, L20529P.
Identifiers: ClinVar variation 4985111 (VCV004985111.1).
Genomic context (GRCh38, chr2:178,590,139, plus strand): 5'-ATGATATACTTGCCATGATCAGCTCTAACAGCTTCTTTAATTTGTAACTCAACACGAGGT[A>G]GATCCTGAATAAGGTCCACCCTCTTTTCTCGGACCAATACTTTGCCTTCCTTAGTCCAAG-3'
Protein context (NP_001254479.2, residues 20519-20539): REKRVDLIQD[Leu20529Pro]PRVELQIKEA

ClinVar aggregate classification (germline): Uncertain significance (1 of 4 stars; one submission).

Conditions:
TTN-related disorder. Also called: TTN-related disorders; TTN-related condition; TTN-related disease.

gnomAD v4.1: 8 of 1,613,136 alleles (0.0005%); highest among the groups gnomAD compares: Admixed American, 0.0083%; no homozygotes.

Submission:

PreventionGenetics, part of Exact Sciences
Classification: Uncertain significance for TTN-related condition. Last evaluated: 2026-09-17. Review status: criteria provided, single submitter. Criteria: ACMG Guidelines, 2015. Collection method: clinical testing. Allele origin: germline.
Comment: The TTN c.61586T>C variant is predicted to result in the amino acid substitution p.Leu20529Pro. To our knowledge, this variant has not been reported in the literature. This variant is reported in 0.011% of alleles in individuals of Latino descent in gnomAD. At this time, the clinical significance of this variant is uncertain due to the absence of conclusive functional and genetic evidence.